The following is an entry in ClinVar:

NM_015102.5(NPHP4):c.713C>T (p.Thr238Met)

Gene: NPHP4 (nephrocystin 4; minus strand). Cytogenetic location: 1p36.31.
Variant type: single nucleotide variant.
Coding change: c.713C>T on transcript NM_015102.5 (MANE Select); coding-DNA position 713, C replaced by T.
Protein change: p.Thr238Met; replaces threonine 238 with methionine.
Molecular consequence: missense variant. On other transcripts: 5 prime UTR variant (1), non-coding transcript variant (1), intron variant (1).
Genome position (GRCh38, 1-based): chr1:5,952,797, G>A on the plus strand (C>T on the coding strand, the complement: NPHP4 is on the minus strand). VCF-style: chr1-5952797-G-A. GRCh37 (hg19) VCF-style: chr1-6012857-G-A.
Other names: c.-654C>T (NM_001291594.2); c.-556-4546C>T (NM_001291593.2); short protein forms T238M.
Identifiers: ClinVar variation 1482902 (VCV001482902.6), dbSNP rs752644932, ClinGen allele CA554747.

ClinVar aggregate classification (germline): Uncertain significance (1 of 4 stars; one submission).

Conditions:
Nephronophthisis. Also called: Juvenile Nephronophthisis. Identifiers: Orphanet 655, MedGen C0687120, MONDO:0019005, HP:0000090.

Allele frequency attached by ClinVar (database versions not stated): gnomAD 0.00001; gnomAD exomes 0.00001; ExAC 0.00005.

Submission:

Labcorp Genetics (formerly Invitae), Labcorp
Classification: Uncertain significance for Nephronophthisis. Last evaluated: 2022-02-13. Review status: criteria provided, single submitter. Criteria: Invitae Variant Classification Sherloc (09022015). Collection method: clinical testing. Allele origin: germline.
Comment: This variant has not been reported in the literature in individuals affected with NPHP4-related conditions. The frequency data for this variant in the population databases is considered unreliable, as metrics indicate poor data quality at this position in the gnomAD database. This sequence change replaces threonine, which is neutral and polar, with methionine, which is neutral and non-polar, at codon 238 of the NPHP4 protein (p.Thr238Met). In summary, the available evidence is currently insufficient to determine the role of this variant in disease. Therefore, it has been classified as a Variant of Uncertain Significance. Algorithms developed to predict the effect of missense changes on protein structure and function output the following: SIFT: "Deleterious"; PolyPhen-2: "Possibly Damaging"; Align-GVGD: "Class C0". The methionine amino acid residue is found in multiple mammalian species, which suggests that this missense change does not adversely affect protein function.